The following is an entry in ClinVar:

NM_001378030.1(CCDC78):c.1189C>T (p.Arg397Cys)

Gene: CCDC78 (coiled-coil domain containing 78; minus strand). Cytogenetic location: 16p13.3.
Variant type: single nucleotide variant.
Coding change: c.1189C>T on transcript NM_001378030.1 (MANE Select); coding-DNA position 1189, C replaced by T.
Protein change: p.Arg397Cys; replaces arginine 397 with cysteine.
Molecular consequence: missense variant. On other transcripts: non-coding transcript variant (5).
Genome position (GRCh38, 1-based): chr16:723,106, G>A on the plus strand (C>T on the coding strand, the complement: CCDC78 is on the minus strand). VCF-style: chr16-723106-G-A. GRCh37 (hg19) VCF-style: chr16-773106-G-A.
Other names: c.1189C>T, p.Arg397Cys (NM_001031737.3); c.1009C>T, p.Arg337Cys (NM_001378031.1); c.622C>T, p.Arg208Cys (NM_001378033.1); short protein forms R397C, R208C, R337C.
Identifiers: ClinVar variation 703035 (VCV000703035.26), dbSNP rs559942514, ClinGen allele CA7789142.

ClinVar aggregate classification (germline): Benign/Likely benign. Review status: criteria provided, multiple submitters, no conflicts (2 of 4 stars). 3 submissions from 3 submitters: Benign (2); Likely benign (1). Last evaluated 2025-10-09.

Conditions:
Congenital myopathy with internal nuclei and atypical cores. Also called: Myopathy, centronuclear, 4. Identifiers: Orphanet 319160, MedGen C4707232, MONDO:0013890, OMIM 614807.

Allele frequency attached by ClinVar (database versions not stated): gnomAD 0.00013 and 0.00023; TOPMed 0.00025; ExAC 0.00047; gnomAD exomes 0.00047; 1000 Genomes Project 0.00060; 1000 Genomes Project 30x 0.00062.

Submissions (3):

Labcorp Genetics (formerly Invitae), Labcorp
Classification: Likely benign for Congenital myopathy with internal nuclei and atypical cores. Last evaluated: 2025-10-09. Review status: criteria provided, single submitter. Criteria: Invitae Variant Classification Sherloc (09022015). Collection method: clinical testing. Allele origin: germline.

CeGaT Center for Human Genetics Tuebingen
Classification: Benign. Last evaluated: 2024-11-01. Review status: criteria provided, single submitter. Criteria: CeGaT Center For Human Genetics Tuebingen Variant Classification Criteria Version 2. Collection method: clinical testing. Allele origin: germline. Affected: yes. Observed: 1 variant allele.
Comment: CCDC78: BS1, BS2

GeneDx
Classification: Benign. Last evaluated: 2021-01-15. Review status: criteria provided, single submitter. Criteria: GeneDx Variant Classification Process June 2021. Collection method: clinical testing. Allele origin: germline. Affected: yes.